The following is an entry in ClinVar:

NM_206933.4(USH2A):c.1750T>A (p.Cys584Ser)

Gene: USH2A (usherin; minus strand). Cytogenetic location: 1q41.
Variant type: single nucleotide variant.
Coding change: c.1750T>A on transcript NM_206933.4 (MANE Select); coding-DNA position 1750, T replaced by A.
Protein change: p.Cys584Ser; replaces cysteine 584 with serine.
Molecular consequence: missense variant.
Genome position (GRCh38, 1-based): chr1:216,292,265, A>T on the plus strand (T>A on the coding strand, the complement: USH2A is on the minus strand). VCF-style: chr1-216292265-A-T. GRCh37 (hg19) VCF-style: chr1-216465607-A-T.
Other names: c.1750T>A, p.Cys584Ser (NM_007123.6); short protein forms C584S.
Identifiers: ClinVar variation 4800039 (VCV004800039.1).

ClinVar aggregate classification (germline): Likely pathogenic (1 of 4 stars; one submission).

Submission:

Labcorp Genetics (formerly Invitae), Labcorp
Classification: Likely pathogenic. Last evaluated: 2025-12-03. Review status: criteria provided, single submitter. Criteria: Invitae Variant Classification Sherloc (09022015). Collection method: clinical testing. Allele origin: germline.
Comment: This sequence change replaces cysteine, which is neutral and slightly polar, with serine, which is neutral and polar, at codon 584 of the USH2A protein (p.Cys584Ser). This variant is not present in population databases (gnomAD no frequency). This variant has not been reported in the literature in individuals affected with USH2A-related conditions. Invitae Evidence Modeling of protein sequence and biophysical properties (such as structural, functional, and spatial information, amino acid conservation, physicochemical variation, residue mobility, and thermodynamic stability) indicates that this missense variant is expected to disrupt USH2A protein function with a positive predictive value of 95%. This variant disrupts the p.Cys584 amino acid residue in USH2A. Other variant(s) that disrupt this residue have been determined to be pathogenic (PMID: 24516651, 26075083). This suggests that this residue is clinically significant, and that variants that disrupt this residue are likely to be disease-causing. In summary, the currently available evidence indicates that the variant is pathogenic, but additional data are needed to prove that conclusively. Therefore, this variant has been classified as Likely Pathogenic.

Literature cited by the submitters: PubMed 24516651; PubMed 26075083.